The following is an entry in ClinVar:

NM_000528.4(MAN2B1):c.166_175del (p.Pro56fs)

Gene: MAN2B1 (mannosidase alpha class 2B member 1; minus strand). Cytogenetic location: 19p13.13.
Variant type: Deletion.
Coding change: c.166_175del on transcript NM_000528.4 (MANE Select); coding-DNA positions 166 to 175, 10 bases deleted (CCCACAGTGC; older notation c.166_175delCCCACAGTGC).
Protein change: p.Pro56fs; shifts the reading frame from proline 56.
Molecular consequence: frameshift variant.
Genome position (GRCh38, 1-based): chr19:12,665,790-12,665,799, GCACTGTGGG deleted on the plus strand (CCCACAGTGC on the coding strand, the reverse complement: MAN2B1 is on the minus strand); deleting any 10 consecutive bases within chr19:12,665,790-12,665,802 gives the same sequence; the c. name uses the placement nearest the transcript's 3' end. VCF-style (leftmost placement, unchanged base first): chr19-12665789-TGCACTGTGGG-T. GRCh37 (hg19) VCF-style: chr19-12776603-TGCACTGTGGG-T.
Other names: c.166_175del, p.Pro56fs (NM_001173498.2); short protein forms P56fs.
Identifiers: ClinVar variation 1420628 (VCV001420628.7), dbSNP rs2145290929, ClinGen allele CA2573156086.
Genomic context (GRCh38, chr19:12,665,789, plus strand): 5'-TTGAGCCAGCCCACGTCATCATGTGTGTGAGGCAGCAGGTGCACGTTCAGCATGTTCGGC[TGCACTGTGGG>T]GCATGTCTGCACAGGGACCCCAAACACACATACCTTGTCAATAACCCCCGAGGTCGGGGG-3'

ClinVar aggregate classification (germline): Pathogenic. Review status: criteria provided, multiple submitters, no conflicts (2 of 4 stars). 2 submissions from 2 submitters: Pathogenic (2). Last evaluated 2026-01-10.

Conditions:
Deficiency of alpha-mannosidase (MANSA). Also called: Mannosidosis, alpha-, types I and II; Alpha-Mannosidosis; LYSOSOMAL ALPHA-D-MANNOSIDASE DEFICIENCY. Identifiers: Orphanet 61, MedGen C0024748, MONDO:0009561, OMIM 248500.

Submissions (2):

Myriad Genetics, Inc.
Classification: Pathogenic for Deficiency of alpha-mannosidase. Last evaluated: 2026-01-10. Review status: criteria provided, single submitter. Criteria: Myriad Autosomal Dominant, Autosomal Recessive and X-Linked Classification Criteria (2023). Collection method: clinical testing. Allele origin: unknown.
Comment: NM_000528.3(MAN2B1):c.166_175del10(P56Sfs*5) is expected to be pathogenic in the context of alpha-mannosidosis. This variant is predicted to lead to an abnormal or absent protein product due to the creation of a premature termination codon in MAN2B1, a gene where loss-of-function variants are known to be pathogenic. Please note: this variant was assessed in the context of healthy population screening.

Labcorp Genetics (formerly Invitae), Labcorp
Classification: Pathogenic for Deficiency of alpha-mannosidase. Last evaluated: 2021-02-24. Review status: criteria provided, single submitter. Criteria: Invitae Variant Classification Sherloc (09022015). Collection method: clinical testing. Allele origin: germline.
Comment: For these reasons, this variant has been classified as Pathogenic. This variant has not been reported in the literature in individuals with MAN2B1-related conditions. This variant is not present in population databases (ExAC no frequency). This sequence change creates a premature translational stop signal (p.Pro56Serfs*5) in the MAN2B1 gene. It is expected to result in an absent or disrupted protein product. Loss-of-function variants in MAN2B1 are known to be pathogenic (PMID: 9915946, 22161967).

Literature cited by the submitters: PubMed 9915946 (cited by Labcorp Genetics (formerly Invitae), Labcorp); PubMed 22161967 (cited by Labcorp Genetics (formerly Invitae), Labcorp).